The following is an entry in ClinVar:

NM_001130145.3(YAP1):c.1080_1082delinsAAA (p.Thr361Asn)

Gene: YAP1 (Yes1 associated transcriptional regulator; plus strand). Cytogenetic location: 11q22.1.
Variant type: Indel.
Coding change: c.1080_1082delinsAAA on transcript NM_001130145.3 (MANE Select); coding-DNA positions 1080 to 1082, GAC replaced by AAA.
Protein change: p.Thr361Asn; replaces threonine 361 with asparagine.
Molecular consequence: missense variant.
Genome position (GRCh38, 1-based): chr11:102,223,669-102,223,671, GAC replaced by AAA. VCF-style: chr11-102223669-GAC-AAA. GRCh37 (hg19) VCF-style: chr11-102094400-GAC-AAA.
Other names: c.1032_1034delinsAAA, p.Thr345Asn (NM_001195044.2); c.546_548delinsAAA, p.Thr183Asn (NM_001195045.2); c.966_968delinsAAA, p.Thr323Asn (NM_001282097.2); c.930_932delinsAAA, p.Thr311Asn (NM_001282098.2); c.978_980delinsAAA, p.Thr327Asn (NM_001282099.2); c.1044_1046delinsAAA, p.Thr349Asn (NM_001282100.2); c.1092_1094delinsAAA, p.Thr365Asn (NM_001282101.2); c.918_920delinsAAA, p.Thr307Asn (NM_006106.5); short protein forms T183N, T307N, T311N, T323N, T327N, T345N, T349N, T361N.
Identifiers: ClinVar variation 4853112 (VCV004853112.1).
Genomic context (GRCh38, chr11:102,223,669, plus strand): 5'-TATTTTTAATTAGGAGTTAGCCCTGCGTAGCCAGTTACCAACACTGGAGCAGGATGGTGG[GAC>AAA]TCAAAATCCAGTGTCTTCTCCCGGGATGTCTCAGGAATTGAGAACAATGACGACCAATAG-3'
Protein context (NP_001123617.1, residues 351-371): QLPTLEQDGG[Thr361Asn]QNPVSSPGMS

ClinVar aggregate classification (germline): Uncertain significance (1 of 4 stars; one submission).

Submission:

Women's Health and Genetics/Laboratory Corporation of America, LabCorp
Classification: Uncertain significance. Last evaluated: 2026-05-13. Review status: criteria provided, single submitter. Criteria: LabCorp Variant Classification Summary - May 2015. Collection method: clinical testing. Allele origin: germline.
Comment: Variant summary: YAP1 c.1080_1082delinsAAA (p.Thr361Asn) results in a non-conservative amino acid change in the encoded protein sequence. Algorithms developed to predict the effect of missense changes on protein structure and function are either unavailable or do not agree on the potential impact of this missense change. The variant allele was found at a frequency of 4e-06 in 251332 control chromosomes. The available data on variant occurrences in the general population are insufficient to allow any conclusion about variant significance. To our knowledge, no occurrence of c.1080_1082delinsAAA in individuals affected with YAP1-related conditions and no experimental evidence demonstrating its impact on protein function have been reported. No submitters have cited clinical-significance assessments for this variant to ClinVar. Based on the evidence outlined above, the variant was classified as uncertain significance.